The following is an entry in ClinVar:

ClinVar aggregate classification (germline): Conflicting classifications of pathogenicity. Review status: criteria provided, conflicting classifications (1 of 4 stars). 6 submissions from 5 submitters: Uncertain significance (2); Benign (2); Likely benign (1). 1 of the submissions does not count toward it. Last evaluated 2025-12-28.

Conditions:
ZMPSTE24-related disorder. Also called: ZMPSTE24-related disorders; ZMPSTE24-related condition. Identifiers: MedGen CN239425.
Mandibuloacral dysplasia with type B lipodystrophy (MADB). Also called: LIPODYSTROPHY, TYPE B, ASSOCIATED WITH MANDIBULOACRAL DYSPLASIA. Identifiers: Orphanet 2457, Orphanet 90154, MedGen C1837756, MONDO:0012074, OMIM 608612.
Lethal tight skin contracture syndrome. Also called: RESTRICTIVE DERMOPATHY, LETHAL; Restrictive dermopathy. Identifiers: Orphanet 1662, MedGen C0406585, MONDO:0031213.

Allele frequency attached by ClinVar (database versions not stated): 1000 Genomes Project 30x 0.00016; 1000 Genomes Project 0.00020; gnomAD exomes 0.00053 and 0.00075; ExAC 0.00068; gnomAD 0.00073 and 0.00074; TOPMed 0.00076; ESP Exome Variant Server 0.00085.
gnomAD v4.1: 920 of 1,613,876 alleles (0.057%); highest among the groups gnomAD compares: Middle Eastern, 0.26%; 6 homozygotes.

Submissions (6):

Labcorp Genetics (formerly Invitae), Labcorp
Classification: Benign. Last evaluated: 2025-12-28. Review status: criteria provided, single submitter. Criteria: Invitae Variant Classification Sherloc (09022015). Collection method: clinical testing. Allele origin: germline.

Blueprint Genetics
Classification: Likely benign. Last evaluated: 2024-11-22. Review status: criteria provided, single submitter. Criteria: ACMG Guidelines, 2015. Collection method: clinical testing. Allele origin: germline.

Genetic Services Laboratory, University of Chicago
Classification: Benign. Last evaluated: 2021-06-11. Review status: criteria provided, single submitter. Criteria: ACMG Guidelines, 2015. Collection method: clinical testing. Allele origin: germline. Affected: no.

Illumina Laboratory Services, Illumina
Classification: Uncertain significance for Mandibuloacral dysplasia with type B lipodystrophy. Last evaluated: 2018-01-12. Review status: criteria provided, single submitter. Criteria: ICSL Variant Classification Criteria 13 December 2019. Collection method: clinical testing. Allele origin: germline.

Illumina Laboratory Services, Illumina
Classification: Uncertain significance for Restrictive dermopathy 1. Last evaluated: 2018-01-12. Review status: criteria provided, single submitter. Criteria: ICSL Variant Classification Criteria 13 December 2019. Collection method: clinical testing. Allele origin: germline.

PreventionGenetics, part of Exact Sciences
Classification: Benign for ZMPSTE24-related condition. Last evaluated: 2023-03-06. Review status: no assertion criteria provided. Collection method: clinical testing. Allele origin: germline. Not counted in ClinVar's aggregate classification.
Comment: This variant is classified as benign based on ACMG/AMP sequence variant interpretation guidelines (Richards et al. 2015 PMID: 25741868, with internal and published modifications).

NM_005857.5(ZMPSTE24):c.1106G>A (p.Arg369Gln)

Gene: ZMPSTE24 (zinc metallopeptidase STE24; plus strand). Cytogenetic location: 1p34.2.
Variant type: single nucleotide variant.
Coding change: c.1106G>A on transcript NM_005857.5 (MANE Select); coding-DNA position 1106, G replaced by A.
Protein change: p.Arg369Gln; replaces arginine 369 with glutamine.
Molecular consequence: missense variant.
Genome position (GRCh38, 1-based): chr1:40,290,900, G>A. VCF-style: chr1-40290900-G-A. GRCh37 (hg19) VCF-style: chr1-40756572-G-A.
Other names: short protein forms R369Q.
Identifiers: ClinVar variation 297265 (VCV000297265.20), dbSNP rs41268053, ClinGen allele CA791174.